The following is an entry in ClinVar:

NM_006852.6(TLK2):c.1487A>G (p.His496Arg)

Gene: TLK2 (tousled like kinase 2; plus strand). Cytogenetic location: 17q23.2.
Variant type: single nucleotide variant.
Coding change: c.1487A>G on transcript NM_006852.6 (MANE Select); coding-DNA position 1487, A replaced by G.
Protein change: p.His496Arg; replaces histidine 496 with arginine.
Molecular consequence: missense variant.
Genome position (GRCh38, 1-based): chr17:62,596,611, A>G. VCF-style: chr17-62596611-A-G. GRCh37 (hg19) VCF-style: chr17-60673972-A-G.
Other names: c.1553A>G, p.His518Arg (NM_001284333.3); c.1391A>G, p.His464Arg (NM_001284363.1, NM_001375272.1); c.1040A>G, p.His347Arg (NM_001330418.3, NM_001375273.1); c.1529A>G, p.His510Arg (NM_001375269.1); c.1487A>G, p.His496Arg (NM_001375270.1, NM_001375271.1); short protein forms H347R, H464R, H496R, H518R, H510R.
Identifiers: ClinVar variation 617930 (VCV000617930.4), dbSNP rs1567995650, ClinGen allele CA400508856.

ClinVar aggregate classification (germline): Pathogenic/Likely pathogenic. Review status: criteria provided, multiple submitters, no conflicts (2 of 4 stars). 3 submissions from 3 submitters: Pathogenic (1); Likely pathogenic (2). Last evaluated 2021-09-08.

Conditions:
TLK2-related disorder. Also called: TLK2-related condition.
Intellectual developmental disorder, autosomal dominant 57. Also called: MENTAL RETARDATION, AUTOSOMAL DOMINANT 57; Intellectual disability, autosomal dominant 57. Identifiers: MedGen C4748003, MONDO:0054837, OMIM 618050.

Submissions (3):

Blueprint Genetics
Classification: Pathogenic for TLK2-related disorders. Last evaluated: 2021-09-08. Review status: criteria provided, single submitter. Criteria: ACMG Guidelines, 2015. Collection method: clinical testing. Allele origin: germline. Affected: yes. Observed: 1 variant allele.

Equipe Genetique des Anomalies du Developpement, Université de Bourgogne
Classification: Likely pathogenic for Intellectual developmental disorder, autosomal dominant 57. Last evaluated: 2019-08-09. Review status: criteria provided, single submitter. Criteria: ACMG Guidelines, 2015. Collection method: clinical testing. Allele origin: de novo. Affected: yes.

SIB Swiss Institute of Bioinformatics
Classification: Likely pathogenic for Intellectual developmental disorder, autosomal dominant 57. Last evaluated: 2018-10-15. Review status: criteria provided, single submitter. Criteria: ACMG Guidelines, 2015. Collection method: curation. Allele origin: de novo.
Comment: This variant is interpreted as Likely Pathogenic, for Mental retardation, autosomal dominant 57. The following ACMG Tag(s) were applied: PM2 => Absent from controls (or at extremely low frequency if recessive) in Exome Sequencing Project, 1000 Genomes Project, or Exome Aggregation Consortium. PP3 => Multiple lines of computational evidence support a deleterious effect on the gene or gene product. PM6 => Assumed de novo, but without confirmation of paternity and maternity (PubMed 29861108). PM1 => Located in a mutational hot spot and/or critical and well-established functional domain (e.g., active site of an enzyme) without benign variation.

Literature cited by the submitters: PubMed 29861108 (cited by SIB Swiss Institute of Bioinformatics).